The following is an entry in ClinVar:

NM_001999.4(FBN2):c.3878T>C (p.Ile1293Thr)

Gene: FBN2 (fibrillin 2; minus strand). Cytogenetic location: 5q23.3.
Variant type: single nucleotide variant.
Coding change: c.3878T>C on transcript NM_001999.4 (MANE Select); coding-DNA position 3878, T replaced by C.
Protein change: p.Ile1293Thr; replaces isoleucine 1293 with threonine.
Molecular consequence: missense variant.
Genome position (GRCh38, 1-based): chr5:128,335,265, A>G on the plus strand (T>C on the coding strand, the complement: FBN2 is on the minus strand). VCF-style: chr5-128335265-A-G. GRCh37 (hg19) VCF-style: chr5-127670957-A-G.
Other names: short protein forms I1293T.
Identifiers: ClinVar variation 906049 (VCV000906049.5), dbSNP rs1750804361, ClinGen allele CA360757497.

ClinVar aggregate classification (germline): Uncertain significance. Review status: criteria provided, multiple submitters, no conflicts (2 of 4 stars). 2 submissions from 2 submitters: Uncertain significance (2). Last evaluated 2026-03-24.

Conditions:
Congenital contractural arachnodactyly (CCA). Also called: Arthrogryposis, distal, type 9; BEALS SYNDROME; Beals-Hecht syndrome. Identifiers: Orphanet 115, MedGen C0220668, MONDO:0007363, OMIM 121050.

Allele frequency attached by ClinVar (database versions not stated): TOPMed below 0.00001; gnomAD exomes below 0.00001.
gnomAD v4.1: 2 of 1,614,148 alleles (0.00012%); highest among the groups gnomAD compares: East Asian, 0.0022%; no homozygotes.

Submissions (2):

GeneDx
Classification: Uncertain significance. Last evaluated: 2026-03-24. Review status: criteria provided, single submitter. Criteria: GeneDx Variant Classification Process June 2021. Collection method: clinical testing. Allele origin: germline.
Comment: Not observed at significant frequency in large population cohorts (gnomAD); In silico analysis supports that this missense variant has a deleterious effect on protein structure/function; Has not been previously published as pathogenic or benign to our knowledge

Illumina Laboratory Services, Illumina
Classification: Uncertain significance for Congenital contractural arachnodactyly. Last evaluated: 2017-04-27. Review status: criteria provided, single submitter. Criteria: ICSL Variant Classification Criteria 13 December 2019. Collection method: clinical testing. Allele origin: germline.